The following is an entry in ClinVar:

NM_001387777.1(TNS1):c.2466G>A (p.Pro822=)

Gene: TNS1 (tensin 1; minus strand). Cytogenetic location: 2q35.
Variant type: single nucleotide variant.
Coding change: c.2466G>A on transcript NM_001387777.1 (MANE Select); coding-DNA position 2466, G replaced by A.
Protein change: p.Pro822=; no amino-acid change (proline 822 retained).
Molecular consequence: synonymous variant.
Genome position (GRCh38, 1-based): chr2:217,848,051, C>T on the plus strand (G>A on the coding strand, the complement: TNS1 is on the minus strand). VCF-style: chr2-217848051-C-T. GRCh37 (hg19) VCF-style: chr2-218712774-C-T.
Other names: c.2091G>A, p.Pro697= (NM_001308022.2, NM_001308023.2, NM_022648.7).
Identifiers: ClinVar variation 3035420 (VCV003035420.2), dbSNP rs138064979, ClinGen allele CA2100231.

ClinVar aggregate classification (germline): Likely benign (0 of 4 stars; one submission).

Conditions:
TNS1-related disorder. Also called: TNS1-related condition.

Allele frequency attached by ClinVar (database versions not stated): 1000 Genomes Project 0.00280; 1000 Genomes Project 30x 0.00297; ESP Exome Variant Server 0.00446.
gnomAD v4.1: 844 of 1,529,088 alleles (0.055%); highest among the groups gnomAD compares: African/African-American, 1%; 7 homozygotes.

Submission:

PreventionGenetics, part of Exact Sciences
Classification: Likely benign for TNS1-related condition. Last evaluated: 2019-04-11. Review status: no assertion criteria provided. Collection method: clinical testing. Allele origin: germline.
Comment: This variant is classified as likely benign based on ACMG/AMP sequence variant interpretation guidelines (Richards et al. 2015 PMID: 25741868, with internal and published modifications).